The following continues an entry in ClinVar:

NM_007294.4(BRCA1):c.1121del (p.Thr374fs)

Gene: BRCA1. ClinVar aggregate classification (germline): Pathogenic. Pathogenic (1).

Submissions 8 to 13 of 13:

Laboratory for Molecular Medicine, Mass General Brigham Personalized Medicine
Classification: Pathogenic for Hereditary breast ovarian cancer syndrome. Last evaluated: 2023-08-02. Review status: criteria provided, single submitter. Criteria: ACMG Guidelines, 2015. Collection method: clinical testing. Allele origin: germline. Inheritance: Autosomal dominant inheritance. Not counted in ClinVar's aggregate classification.
Comment: The p.Thr374AsnfsX2 variant in BRCA1 has been reported in at least 6 individuals with BRCA1-associated cancers and segregated with disease in at least 1 affected relative from 1 family (Stoppa-Lyonnet 1997 PMID: 9150149, Sinilnikova 2006 PMID: 16528604, van der Hout 2006 PMID: 16683254, Borg 2010 PMID: 20104584, Caux-Moncoutier 2011 PMID:21120943, De Talhouet 2020 PMID: 32341426). It was absent from large population studies. This variant is predicted to cause a frameshift, which alters the protein’s amino acid sequence beginning at position 374 and leads to a premature termination codon 2 amino acids downstream. This alteration is then predicted to lead to a truncated or absent protein. Heterozygous loss of function of the BRCA1 gene is an established disease mechanism in autosomal dominant hereditary breast and ovarian cancer (HBOC). Additionally, this variant was classified as pathogenic on September 8, 2016 by the ClinGen-approved ENIGMA expert panel (Variation ID 37391). In summary, this variant meets criteria to be classified as pathogenic for autosomal dominant HBOC. ACMG/AMP Criteria applied: PM2_Supporting, PVS1, PS4_Moderate.

ARUP Laboratories, Molecular Genetics and Genomics, ARUP Laboratories
Classification: Pathogenic. Last evaluated: 2021-05-06. Review status: criteria provided, single submitter. Criteria: ARUP Molecular Germline Variant Investigation Process 2021. Collection method: clinical testing. Allele origin: germline. Not counted in ClinVar's aggregate classification.
Comment: The BRCA1 c.1121delC; p.Thr374AsnfsTer2 variant (rs80357612) is reported in the literature in multiple individuals affected with hereditary breast and/or ovarian cancer (Stoppa-Lyonnet 1997, Sinilnikova 2006) and is also reported in ClinVar (Variation ID: 37391). This variant is absent from the Genome Aggregation Database, indicating it is not a common polymorphism. This variant causes a frameshift by deleting a single nucleotide, so it is predicted to result in a truncated protein or mRNA subject to nonsense-mediated decay. Based on available information, this variant is classified as pathogenic. References: Stoppa-Lyonnet et al., BRCA1 sequence variations in 160 individuals referred to a breast/ovarian family cancer clinic. Institut Curie Breast Cancer Group. Am J Hum Genet. 1997 May;60(5):1021-30. PMID 9150149 Sinilnikova OM et al. BRCA1 and BRCA2 mutations in breast and ovarian cancer syndrome: reflection on the Creighton University historical series of high risk families. Fam Cancer. 2006;5(1):15-20. PMID: 16528604

Consortium of Investigators of Modifiers of BRCA1/2 (CIMBA), c/o University of Cambridge
Classification: Pathogenic for Breast-ovarian cancer, familial, susceptibility to, 1. Last evaluated: 2015-10-02. Review status: criteria provided, single submitter. Criteria: CIMBA Mutation Classification guidelines May 2016. Collection method: clinical testing. Allele origin: germline. Not counted in ClinVar's aggregate classification.

Research Molecular Genetics Laboratory, Women's College Hospital, University of Toronto
Classification: Pathogenic for Hereditary breast ovarian cancer syndrome. Last evaluated: 2014-01-31. Review status: no assertion criteria provided. Collection method: research. Allele origin: germline. Affected: yes. Study: The Canadian Open Genetics Repository (COGR). Not counted in ClinVar's aggregate classification.

Sharing Clinical Reports Project (SCRP)
Classification: Pathogenic for Breast-ovarian cancer, familial 1. Last evaluated: 2009-06-09. Review status: no assertion criteria provided. Collection method: clinical testing. Allele origin: germline. Not counted in ClinVar's aggregate classification.

Breast Cancer Information Core (BIC) (BRCA1)
Classification: Pathogenic for Breast-ovarian cancer, familial 1. Last evaluated: 2002-05-29. Review status: no assertion criteria provided. Collection method: clinical testing. Allele origin: germline. Affected: yes. Observed: 10 variant alleles. Not counted in ClinVar's aggregate classification.

Literature cited by the submitters: PubMed 20104584 (cited by 5 submitters); PubMed 8764110 (cited by 4 submitters); PubMed 9150149 (cited by 5 submitters); PubMed 16528604 (cited by 5 submitters); PubMed 16683254 (cited by 6 submitters); PubMed 21120943 (cited by Labcorp Genetics (formerly Invitae), Labcorp and Ambry Genetics); PubMed 30551077 (cited by Ambry Genetics); PubMed 17661172 (cited by All of Us Research Program, National Institutes of Health); PubMed 21989022 (cited by All of Us Research Program, National Institutes of Health); PubMed 22762150 (cited by All of Us Research Program, National Institutes of Health); PubMed 32341426 (cited by Laboratory for Molecular Medicine, Mass General Brigham Personalized Medicine).